The following is an entry in ClinVar:

NM_024665.7(TBL1XR1):c.787G>A (p.Gly263Arg)

Genes: TBL1XR1 (TBL1X/Y related 1; minus strand), TBL1XR1-AS1 (TBL1XR1 antisense RNA 1; plus strand). Cytogenetic location: 3q26.32.
Variant type: single nucleotide variant.
Coding change: c.787G>A on transcript NM_024665.7 (MANE Select); coding-DNA position 787, G replaced by A.
Protein change: p.Gly263Arg; replaces glycine 263 with arginine.
Molecular consequence: missense variant.
Genome position (GRCh38, 1-based): chr3:177,047,377, C>T on the plus strand (G>A on the coding strand, the complement: TBL1XR1 is on the minus strand). VCF-style: chr3-177047377-C-T. GRCh37 (hg19) VCF-style: chr3-176765165-C-T.
Other names: c.787G>A, p.Gly263Arg (NM_001321193.3, NM_001321194.3, NM_001374327.1 and 2 more transcripts); c.526G>A, p.Gly176Arg (NM_001321195.3, NM_001374330.1); short protein forms G263R, G176R.
Identifiers: ClinVar variation 1432291 (VCV001432291.8), dbSNP rs2108479602, ClinGen allele CA355552161.

ClinVar aggregate classification (germline): Uncertain significance (1 of 4 stars; one submission).

Conditions:
Pierpont syndrome (PRPTS). Identifiers: Orphanet 487825, MedGen C1865644, MONDO:0011213, OMIM 602342.

Submission:

Labcorp Genetics (formerly Invitae), Labcorp
Classification: Uncertain significance for Pierpont syndrome. Last evaluated: 2024-03-05. Review status: criteria provided, single submitter. Criteria: Invitae Variant Classification Sherloc (09022015). Collection method: clinical testing. Allele origin: germline.
Comment: This sequence change replaces glycine, which is neutral and non-polar, with arginine, which is basic and polar, at codon 263 of the TBL1XR1 protein (p.Gly263Arg). This variant is not present in population databases (gnomAD no frequency). This variant has not been reported in the literature in individuals affected with TBL1XR1-related conditions. ClinVar contains an entry for this variant (Variation ID: 1432291). Advanced modeling of protein sequence and biophysical properties (such as structural, functional, and spatial information, amino acid conservation, physicochemical variation, residue mobility, and thermodynamic stability) performed at Invitae indicates that this missense variant is not expected to disrupt TBL1XR1 protein function with a negative predictive value of 95%. In summary, the available evidence is currently insufficient to determine the role of this variant in disease. Therefore, it has been classified as a Variant of Uncertain Significance.